The following is an entry in ClinVar:

NM_004859.4(CLTC):c.3249G>A (p.Gln1083=)

Gene: CLTC (clathrin heavy chain; plus strand). Cytogenetic location: 17q23.1.
Variant type: single nucleotide variant.
Coding change: c.3249G>A on transcript NM_004859.4 (MANE Select); coding-DNA position 3249, G replaced by A.
Protein change: p.Gln1083=; no amino-acid change (glutamine 1083 retained).
Molecular consequence: synonymous variant.
Genome position (GRCh38, 1-based): chr17:59,681,478, G>A. VCF-style: chr17-59681478-G-A. GRCh37 (hg19) VCF-style: chr17-57758839-G-A.
Other names: c.3261G>A, p.Gln1087= (NM_001288653.2).
Identifiers: ClinVar variation 2864842 (VCV002864842.3), dbSNP rs2509151061, ClinGen allele CA501092360.

ClinVar aggregate classification (germline): Uncertain significance (1 of 4 stars; one submission).

Submission:

Labcorp Genetics (formerly Invitae), Labcorp
Classification: Uncertain significance. Last evaluated: 2023-05-16. Review status: criteria provided, single submitter. Criteria: Invitae Variant Classification Sherloc (09022015). Collection method: clinical testing. Allele origin: germline.
Comment: This variant has not been reported in the literature in individuals affected with CLTC-related conditions. This variant is not present in population databases (gnomAD no frequency). This sequence change affects codon 1087 of the CLTC mRNA. It is a 'silent' change, meaning that it does not change the encoded amino acid sequence of the CLTC protein. This variant also falls at the last nucleotide of exon 20, which is part of the consensus splice site for this exon. Variants that disrupt the consensus splice site are a relatively common cause of aberrant splicing (PMID: 17576681, 9536098). Algorithms developed to predict the effect of sequence changes on RNA splicing suggest that this variant is not likely to affect RNA splicing. In summary, the available evidence is currently insufficient to determine the role of this variant in disease. Therefore, it has been classified as a Variant of Uncertain Significance.

Literature cited by the submitters: PubMed 17576681; PubMed 9536098.